The following is an entry in ClinVar:

ClinVar aggregate classification (germline): Uncertain significance. Review status: criteria provided, multiple submitters, no conflicts (2 of 4 stars). 2 submissions from 2 submitters: Uncertain significance (2). Last evaluated 2025-05-15.

Conditions:
Gorlin syndrome. Also called: Basal cell nevus syndrome; Nevoid Basal Cell Carcinoma Syndrome. Identifiers: Orphanet 377, MedGen C0004779, MONDO:0007187.
Medulloblastoma (MDB). Also called: MEDULLOBLASTOMA PREDISPOSITION SYNDROME; Medulloblastoma, somatic. Identifiers: Orphanet 616, MedGen C0025149, MeSH D008527, MONDO:0007959, OMIM 155255, HP:0002885.
Hereditary cancer-predisposing syndrome. Also called: Hereditary neoplastic syndrome; Tumor predisposition; Hereditary Cancer Syndrome; Neoplastic Syndromes, Hereditary. Identifiers: Orphanet 140162, MedGen C0027672, MeSH D009386, MONDO:0015356.

Submissions (2):

Ambry Genetics
Classification: Uncertain significance for Hereditary cancer-predisposing syndrome. Last evaluated: 2025-05-15. Review status: criteria provided, single submitter. Criteria: Ambry Variant Classification Scheme 2023. Collection method: clinical testing. Allele origin: germline.
Comment: The p.P137S variant (also known as c.409C>T), located in coding exon 3 of the SUFU gene, results from a C to T substitution at nucleotide position 409. The proline at codon 137 is replaced by serine, an amino acid with similar properties. This amino acid position is conserved. In addition, this alteration is predicted to be deleterious by in silico analysis. Based on the available evidence, the clinical significance of this variant remains unclear.

Labcorp Genetics (formerly Invitae), Labcorp
Classification: Uncertain significance for Gorlin syndrome; Medulloblastoma. Last evaluated: 2018-01-17. Review status: criteria provided, single submitter. Criteria: Invitae Variant Classification Sherloc (09022015). Collection method: clinical testing. Allele origin: germline.
Comment: This sequence change replaces proline with serine at codon 137 of the SUFU protein (p.Pro137Ser). The proline residue is highly conserved and there is a moderate physicochemical difference between proline and serine. This variant is not present in population databases (ExAC no frequency). This variant has not been reported in the literature in individuals with SUFU-related disease. Algorithms developed to predict the effect of missense changes on protein structure and function (SIFT, PolyPhen-2, Align-GVGD) all suggest that this variant is likely to be disruptive, but these predictions have not been confirmed by published functional studies and their clinical significance is uncertain. Algorithms developed to predict the effect of sequence changes on RNA splicing suggest that this variant may create or strengthen a splice site, but this prediction has not been confirmed by published transcriptional studies. In summary, the available evidence is currently insufficient to determine the role of this variant in disease. Therefore, it has been classified as a Variant of Uncertain Significance.

NM_016169.4(SUFU):c.409C>T (p.Pro137Ser)

Gene: SUFU (SUFU negative regulator of hedgehog signaling; plus strand). Cytogenetic location: 10q24.32.
Variant type: single nucleotide variant.
Coding change: c.409C>T on transcript NM_016169.4 (MANE Select); coding-DNA position 409, C replaced by T.
Protein change: p.Pro137Ser; replaces proline 137 with serine.
Molecular consequence: missense variant.
Genome position (GRCh38, 1-based): chr10:102,550,061, C>T. VCF-style: chr10-102550061-C-T. GRCh37 (hg19) VCF-style: chr10-104309818-C-T.
Other names: c.409C>T, p.Pro137Ser (NM_001178133.2); short protein forms P137S.
Identifiers: ClinVar variation 577948 (VCV000577948.2), dbSNP rs1564676427, ClinGen allele CA377903502.